The following is an entry in ClinVar:

NM_000618.5(IGF1):c.344C>T (p.Ala115Val)

Genes: IGF1 (insulin like growth factor 1; minus strand), LINC02456 (long independently transcribed non-coding RNA 2456; plus strand). Cytogenetic location: 12q23.2.
Variant type: single nucleotide variant.
Coding change: c.344C>T on transcript NM_000618.5 (MANE Select); coding-DNA position 344, C replaced by T.
Protein change: p.Ala115Val; replaces alanine 115 with valine.
Molecular consequence: missense variant.
Genome position (GRCh38, 1-based): chr12:102,419,567, G>A on the plus strand (C>T on the coding strand, the complement: IGF1 is on the minus strand). VCF-style: chr12-102419567-G-A. GRCh37 (hg19) VCF-style: chr12-102813345-G-A.
Other names: c.344C>T, p.Ala115Val (NM_001111283.3, NM_001111285.3); c.296C>T, p.Ala99Val (NM_001111284.2); c.344C>T (NM_000618.3); short protein forms A99V, A115V.
Identifiers: ClinVar variation 1498408 (VCV001498408.7), dbSNP rs1219431527, ClinGen allele CA386492524.

ClinVar aggregate classification (germline): Uncertain significance. Review status: criteria provided, multiple submitters, no conflicts (2 of 4 stars). 3 submissions from 3 submitters: Uncertain significance (3). Last evaluated 2025-05-13.

Conditions:
Inborn genetic diseases. Identifiers: MedGen C0950123, MeSH D030342.

Allele frequency attached by ClinVar (database versions not stated): gnomAD exomes 0.00001; TOPMed 0.00001.
gnomAD v4.1: 15 of 1,613,936 alleles (0.00093%); highest among the groups gnomAD compares: East Asian, 0.0045%; no homozygotes.

Submissions (3):

Ambry Genetics
Classification: Uncertain significance for Inborn genetic diseases. Last evaluated: 2025-05-13. Review status: criteria provided, single submitter. Criteria: Ambry Variant Classification Scheme 2023. Collection method: clinical testing. Allele origin: germline.

Blueprint Genetics
Classification: Uncertain significance. Last evaluated: 2021-12-13. Review status: criteria provided, single submitter. Criteria: ACMG Guidelines, 2015. Collection method: clinical testing. Allele origin: germline.

Labcorp Genetics (formerly Invitae), Labcorp
Classification: Uncertain significance. Last evaluated: 2021-09-24. Review status: criteria provided, single submitter. Criteria: Invitae Variant Classification Sherloc (09022015). Collection method: clinical testing. Allele origin: germline.
Comment: This sequence change replaces alanine with valine at codon 115 of the IGF1 protein (p.Ala115Val). The alanine residue is moderately conserved and there is a small physicochemical difference between alanine and valine. This variant is not present in population databases (ExAC no frequency). This variant has not been reported in the literature in individuals with IGF1-related conditions. Algorithms developed to predict the effect of missense changes on protein structure and function output the following: SIFT: "Tolerated"; PolyPhen-2: "Benign"; Align-GVGD: "Class C0". The valine amino acid residue is found in multiple mammalian species, suggesting that this missense change does not adversely affect protein function. These predictions have not been confirmed by published functional studies and their clinical significance is uncertain. In summary, the available evidence is currently insufficient to determine the role of this variant in disease. Therefore, it has been classified as a Variant of Uncertain Significance.